The following is an entry in ClinVar:

NM_005219.5(DIAPH1):c.3467G>A (p.Arg1156Gln)

Gene: DIAPH1 (diaphanous related formin 1; minus strand). Cytogenetic location: 5q31.3.
Variant type: single nucleotide variant.
Coding change: c.3467G>A on transcript NM_005219.5 (MANE Select); coding-DNA position 3467, G replaced by A.
Protein change: p.Arg1156Gln; replaces arginine 1156 with glutamine.
Molecular consequence: missense variant.
Genome position (GRCh38, 1-based): chr5:141,526,145, C>T on the plus strand (G>A on the coding strand, the complement: DIAPH1 is on the minus strand). VCF-style: chr5-141526145-C-T. GRCh37 (hg19) VCF-style: chr5-140905712-C-T.
Other names: c.3440G>A, p.Arg1147Gln (NM_001079812.3); c.3467G>A, p.Arg1156Gln (NM_001314007.2); short protein forms R1147Q, R1156Q.
Identifiers: ClinVar variation 1304118 (VCV001304118.10), dbSNP rs764296073, ClinGen allele CA3478775.
Genomic context (GRCh38, chr5:141,526,145, plus strand): 5'-CGCTCCTTCTCTGCCTTCTCCTTGGCTAGTTTTGCTCGCCTCATCTTTTCTTCTGTCTCC[C>T]GCCGCTTCTGGTTCTCCTTGACTGCTTGCTGGGGCAGGGAAGAGGAGGAAGGAACACATG-3'
Protein context (NP_005210.3, residues 1146-1166): LQAVKENQKR[Arg1156Gln]ETEEKMRRAK

ClinVar aggregate classification (germline): Conflicting classifications of pathogenicity. Review status: criteria provided, conflicting classifications (1 of 4 stars). 4 submissions from 4 submitters: Uncertain significance (3); Likely benign (1). Last evaluated 2026-05-01.

Conditions:
Progressive microcephaly-seizures-cortical blindness-developmental delay syndrome. Also called: Seizures, cortical blindness, and microcephaly syndrome. Identifiers: Orphanet 477814, MedGen C5567650, MONDO:0014714, OMIM 616632.
Autosomal dominant nonsyndromic hearing loss 1. Also called: KONIGSMARK SYNDROME; DEAFNESS, AUTOSOMAL DOMINANT 1, WITH OR WITHOUT THROMBOCYTOPENIA. Identifiers: Orphanet 90635, MedGen C1852282, MONDO:0007424, OMIM 124900.
Inborn genetic diseases. Identifiers: MedGen C0950123, MeSH D030342.

Allele frequency attached by ClinVar (database versions not stated): gnomAD exomes 0.00001 and 0.00002; ExAC 0.00002; gnomAD 0.00002; TOPMed 0.00002.
gnomAD v4.1: 23 of 1,613,924 alleles (0.0014%); highest among the groups gnomAD compares: East Asian, 0.0022%; no homozygotes.

Submissions (4):

CeGaT Center for Human Genetics Tuebingen
Classification: Likely benign. Last evaluated: 2026-05-01. Review status: criteria provided, single submitter. Criteria: CeGaT Center For Human Genetics Tuebingen Variant Classification Criteria Version 2. Collection method: clinical testing. Allele origin: germline. Affected: yes. Observed: 1 variant allele.
Comment: DIAPH1: BP4

Labcorp Genetics (formerly Invitae), Labcorp
Classification: Uncertain significance for Progressive microcephaly-seizures-cortical blindness-developmental delay syndrome; Autosomal dominant nonsyndromic hearing loss 1. Last evaluated: 2025-05-01. Review status: criteria provided, single submitter. Criteria: Invitae Variant Classification Sherloc (09022015). Collection method: clinical testing. Allele origin: germline.
Comment: This sequence change replaces arginine, which is basic and polar, with glutamine, which is neutral and polar, at codon 1156 of the DIAPH1 protein (p.Arg1156Gln). This variant is present in population databases (rs764296073, gnomAD 0.003%). This variant has not been reported in the literature in individuals affected with DIAPH1-related conditions. ClinVar contains an entry for this variant (Variation ID: 1304118). An algorithm developed to predict the effect of missense changes on protein structure and function (PolyPhen-2) suggests that this variant is likely to be tolerated. In summary, the available evidence is currently insufficient to determine the role of this variant in disease. Therefore, it has been classified as a Variant of Uncertain Significance.

Ambry Genetics
Classification: Uncertain significance for Inborn genetic diseases. Last evaluated: 2024-11-28. Review status: criteria provided, single submitter. Criteria: Ambry Variant Classification Scheme 2023. Collection method: clinical testing. Allele origin: germline.

GeneDx
Classification: Uncertain significance. Last evaluated: 2022-11-09. Review status: criteria provided, single submitter. Criteria: GeneDx Variant Classification Process June 2021. Collection method: clinical testing. Allele origin: germline. Affected: yes.
Comment: In silico analysis supports that this missense variant has a deleterious effect on protein structure/function; Has not been previously published as pathogenic or benign to our knowledge